The following is an entry in ClinVar:

ClinVar aggregate classification (germline): Uncertain significance. Review status: criteria provided, multiple submitters, no conflicts (2 of 4 stars). 2 submissions from 2 submitters: Uncertain significance (2). Last evaluated 2022-12-27.

Conditions:
Inborn genetic diseases. Identifiers: MedGen C0950123, MeSH D030342.

Allele frequency attached by ClinVar (database versions not stated): gnomAD exomes below 0.00001; ExAC 0.00001.
gnomAD v4.1: 2 of 1,613,948 alleles (0.00012%); highest among the groups gnomAD compares: Non-Finnish European, 0.00017%; no homozygotes.

Submissions (2):

Ambry Genetics
Classification: Uncertain significance for Inborn genetic diseases. Last evaluated: 2022-12-27. Review status: criteria provided, single submitter. Criteria: Ambry Variant Classification Scheme 2023. Collection method: clinical testing. Allele origin: germline.

Labcorp Genetics (formerly Invitae), Labcorp
Classification: Uncertain significance. Last evaluated: 2022-11-30. Review status: criteria provided, single submitter. Criteria: Invitae Variant Classification Sherloc (09022015). Collection method: clinical testing. Allele origin: germline.
Comment: In summary, the available evidence is currently insufficient to determine the role of this variant in disease. Therefore, it has been classified as a Variant of Uncertain Significance. Advanced modeling of protein sequence and biophysical properties (such as structural, functional, and spatial information, amino acid conservation, physicochemical variation, residue mobility, and thermodynamic stability) performed at Invitae indicates that this missense variant is not expected to disrupt CFI protein function. This variant has not been reported in the literature in individuals affected with CFI-related conditions. This variant is present in population databases (rs772688857, gnomAD 0.0009%). This sequence change replaces tyrosine, which is neutral and polar, with histidine, which is basic and polar, at codon 411 of the CFI protein (p.Tyr411His).

NM_000204.5(CFI):c.1231T>C (p.Tyr411His)

Gene: CFI (complement factor I; minus strand). Cytogenetic location: 4q25.
Variant type: single nucleotide variant.
Coding change: c.1231T>C on transcript NM_000204.5 (MANE Select); coding-DNA position 1231, T replaced by C.
Protein change: p.Tyr411His; replaces tyrosine 411 with histidine.
Molecular consequence: missense variant. On other transcripts: non-coding transcript variant (2).
Genome position (GRCh38, 1-based): chr4:109,746,420, A>G on the plus strand (T>C on the coding strand, the complement: CFI is on the minus strand). VCF-style: chr4-109746420-A-G. GRCh37 (hg19) VCF-style: chr4-110667576-A-G.
Other names: c.1255T>C, p.Tyr419His (NM_001318057.2, NM_001375278.1); c.1210T>C, p.Tyr404His (NM_001331035.2, NM_001375280.1, NM_001375282.1); c.1231T>C, p.Tyr411His (NM_001375279.1, NM_001375281.1); c.1174T>C, p.Tyr392His (NM_001375283.1); c.622T>C, p.Tyr208His (NM_001375284.1); short protein forms Y411H, Y419H, Y404H, Y392H, Y208H.
Identifiers: ClinVar variation 2339540 (VCV002339540.5), dbSNP rs772688857, ClinGen allele CA3041966.